The following is an entry in ClinVar:

ClinVar aggregate classification (germline): Conflicting classifications of pathogenicity. Review status: criteria provided, conflicting classifications (1 of 4 stars). 6 submissions from 5 submitters: Uncertain significance (5); Likely benign (1). Last evaluated 2026-09-02.

Conditions:
Gastroesophageal reflux. Identifiers: MedGen C4317146, HP:0002020.
Thoracic scoliosis. Identifiers: MedGen C1857790, HP:0002943.
Myopia. Also called: Myopia (disease). Identifiers: MedGen C0027092, MONDO:0001384, HP:0000545.
Spontaneous hematomas. Identifiers: MedGen C1697453, HP:0007420.
Joint hypermobility. Also called: Joint hyperflexibility. Identifiers: MedGen C1862377, HP:0001382.
Soft skin. Identifiers: MedGen C1844592, HP:0000977.
Poor wound healing. Identifiers: MedGen C1851789, HP:0001058.
Striae distensae. Also called: skin striae. Identifiers: MedGen C0152459, HP:0001065.
Brittle cornea syndrome 1 (BCS1). Also called: CORNEAL FRAGILITY, KERATOGLOBUS, BLUE SCLERAE, JOINT HYPEREXTENSIBILITY; DYSGENESIS MESODERMALIS CORNEAE ET SCLERAE; Corneal fragility keratoglobus, blue sclerae AND joint hypermobility; EDS6B; FRAGILITAS OCULI WITH JOINT HYPEREXTENSIBILITY. Identifiers: Orphanet 90354, MedGen C0268344, MONDO:0024543, OMIM 229200.
ZNF469-related disorder. Also called: ZNF469-related condition.
Cardiovascular phenotype. Identifiers: MedGen CN230736.

Allele frequency attached by ClinVar (database versions not stated): gnomAD exomes 0.00004 and 0.00003; ExAC 0.00015; TOPMed 0.00002; gnomAD 0.00002.

Submissions (6):

PreventionGenetics, part of Exact Sciences
Classification: Uncertain significance for ZNF469-related condition. Last evaluated: 2026-09-02. Review status: criteria provided, single submitter. Criteria: ACMG Guidelines, 2015. Collection method: clinical testing. Allele origin: germline.
Comment: The ZNF469 c.470G>A variant is predicted to result in the amino acid substitution p.Gly157Glu. To our knowledge, this variant has not been reported in the literature. This variant is reported in 0.022% of alleles in individuals of South Asian descent in gnomAD. At this time, the clinical significance of this variant is uncertain due to the absence of conclusive functional and genetic evidence.

Ambry Genetics
Classification: Likely benign for Cardiovascular phenotype. Last evaluated: 2026-08-04. Review status: criteria provided, single submitter. Criteria: Ambry Variant Classification Scheme 2023. Collection method: clinical testing. Allele origin: germline.

GeneDx
Classification: Uncertain significance. Last evaluated: 2024-05-02. Review status: criteria provided, single submitter. Criteria: GeneDx Variant Classification Process June 2021. Collection method: clinical testing. Allele origin: germline. Affected: yes.
Comment: In silico analysis indicates that this missense variant does not alter protein structure/function; Has not been previously published as pathogenic or benign to our knowledge

Labcorp Genetics (formerly Invitae), Labcorp
Classification: Uncertain significance. Last evaluated: 2022-10-25. Review status: criteria provided, single submitter. Criteria: Invitae Variant Classification Sherloc (09022015). Collection method: clinical testing. Allele origin: germline.
Comment: This sequence change replaces glycine, which is neutral and non-polar, with glutamic acid, which is acidic and polar, at codon 157 of the ZNF469 protein (p.Gly157Glu). This variant is present in population databases (rs781096189, gnomAD 0.02%). This variant has not been reported in the literature in individuals affected with ZNF469-related conditions. ClinVar contains an entry for this variant (Variation ID: 320853). Algorithms developed to predict the effect of missense changes on protein structure and function (SIFT, PolyPhen-2, Align-GVGD) all suggest that this variant is likely to be tolerated. In summary, the available evidence is currently insufficient to determine the role of this variant in disease. Therefore, it has been classified as a Variant of Uncertain Significance.

Centre for Mendelian Genomics, University Medical Centre Ljubljana
Classification: Uncertain significance for Gastroesophageal reflux; Joint hypermobility; Myopia; Poor wound healing; Soft skin; Spontaneous hematomas; Striae distensae; Thoracic scoliosis. Last evaluated: 2017-01-01. Review status: criteria provided, single submitter. Criteria: ACMG Guidelines, 2015. Collection method: clinical testing. Allele origin: unknown. Affected: yes.

Centre for Mendelian Genomics, University Medical Centre Ljubljana
Classification: Uncertain significance for Brittle cornea syndrome 1. Last evaluated: 2016-01-01. Review status: criteria provided, single submitter. Criteria: ACMG Guidelines, 2015. Collection method: clinical testing. Allele origin: unknown. Affected: yes.
Comment: This variant was classified as: Uncertain significance. The following ACMG criteria were applied in classifying this variant: PM2.

NM_001367624.2(ZNF469):c.470G>A (p.Gly157Glu)

Gene: ZNF469 (zinc finger protein 469; plus strand). Cytogenetic location: 16q24.2.
Variant type: single nucleotide variant.
Coding change: c.470G>A on transcript NM_001367624.2 (MANE Select); coding-DNA position 470, G replaced by A.
Protein change: p.Gly157Glu; replaces glycine 157 with glutamic acid.
Molecular consequence: missense variant.
Genome position (GRCh38, 1-based): chr16:88,427,940, G>A. VCF-style: chr16-88427940-G-A. GRCh37 (hg19) VCF-style: chr16-88494348-G-A.
Other names: NM_001127464.1:c.470G>A; NM_001127464.2:c.470G>A; short protein forms G157E.
Identifiers: ClinVar variation 320853 (VCV000320853.14), dbSNP rs781096189, ClinGen allele CA8224589.